The following is an entry in ClinVar:

NM_000368.5(TSC1):c.3133C>T (p.Leu1045Phe)

Gene: TSC1 (TSC complex subunit 1; minus strand). Cytogenetic location: 9q34.13.
Variant type: single nucleotide variant.
Coding change: c.3133C>T on transcript NM_000368.5 (MANE Select); coding-DNA position 3133, C replaced by T.
Protein change: p.Leu1045Phe; replaces leucine 1045 with phenylalanine.
Molecular consequence: missense variant.
Genome position (GRCh38, 1-based): chr9:132,896,597, G>A on the plus strand (C>T on the coding strand, the complement: TSC1 is on the minus strand). VCF-style: chr9-132896597-G-A. GRCh37 (hg19) VCF-style: chr9-135771984-G-A.
Other names: p.L1045F:CTT>TTT; c.3130C>T, p.Leu1044Phe (NM_001162426.2); c.2980C>T, p.Leu994Phe (NM_001162427.2); c.2770C>T, p.Leu924Phe (NM_001362177.2); short protein forms L1045F, L994F, L1044F, L924F.
Identifiers: ClinVar variation 207621 (VCV000207621.13), dbSNP rs747162992, ClinGen allele CA319263.

ClinVar aggregate classification (germline): Conflicting classifications of pathogenicity. Review status: criteria provided, conflicting classifications (1 of 4 stars). 4 submissions from 4 submitters: Uncertain significance (2); Likely benign (1). 1 of the submissions does not count toward it. Last evaluated 2025-04-07.

Conditions:
TSC1-related disorder. Also called: TSC1-related condition.
Hereditary cancer-predisposing syndrome. Also called: Hereditary Cancer Syndrome; Tumor predisposition; Hereditary neoplastic syndrome; Neoplastic Syndromes, Hereditary. Identifiers: Orphanet 140162, MedGen C0027672, MeSH D009386, MONDO:0015356.
Tuberous sclerosis 1 (TSC1). Identifiers: Orphanet 805, MedGen C1854465, MONDO:0008612, OMIM 191100.

gnomAD v4.1: 1 of 1,613,778 alleles (0.000062%); no homozygotes.

Submissions (4):

Labcorp Genetics (formerly Invitae), Labcorp
Classification: Uncertain significance for Tuberous sclerosis 1. Last evaluated: 2025-04-07. Review status: criteria provided, single submitter. Criteria: Invitae Variant Classification Sherloc (09022015). Collection method: clinical testing. Allele origin: germline.
Comment: This sequence change replaces leucine, which is neutral and non-polar, with phenylalanine, which is neutral and non-polar, at codon 1045 of the TSC1 protein (p.Leu1045Phe). This variant is not present in population databases (gnomAD no frequency). This variant has not been reported in the literature in individuals affected with TSC1-related conditions. ClinVar contains an entry for this variant (Variation ID: 207621). Invitae Evidence Modeling of protein sequence and biophysical properties (such as structural, functional, and spatial information, amino acid conservation, physicochemical variation, residue mobility, and thermodynamic stability) indicates that this missense variant is not expected to disrupt TSC1 protein function with a negative predictive value of 95%. In summary, the available evidence is currently insufficient to determine the role of this variant in disease. Therefore, it has been classified as a Variant of Uncertain Significance.

Ambry Genetics
Classification: Uncertain significance for Hereditary cancer-predisposing syndrome. Last evaluated: 2022-08-01. Review status: criteria provided, single submitter. Criteria: Ambry Variant Classification Scheme 2023. Collection method: clinical testing. Allele origin: germline.
Comment: The p.L1045F variant (also known as c.3133C>T), located in coding exon 21 of the TSC1 gene, results from a C to T substitution at nucleotide position 3133. The leucine at codon 1045 is replaced by phenylalanine, an amino acid with highly similar properties. This amino acid position is conserved. In addition, this alteration is predicted to be tolerated by in silico analysis. Since supporting evidence is limited at this time, the clinical significance of this alteration remains unclear.

GeneDx
Classification: Likely benign. Last evaluated: 2013-06-13. Review status: criteria provided, single submitter. Criteria: GeneDx Variant Classification (06012015). Collection method: clinical testing. Allele origin: germline. Affected: yes.
Comment: This variant is considered likely benign or benign based on one or more of the following criteria: it is a conservative change, it occurs at a poorly conserved position in the protein, it is predicted to be benign by multiple in silico algorithms, and/or has population frequency not consistent with disease.

PreventionGenetics, part of Exact Sciences
Classification: Uncertain significance for TSC1-related condition. Last evaluated: 2023-11-14. Review status: no assertion criteria provided. Collection method: clinical testing. Allele origin: germline. Not counted in ClinVar's aggregate classification.
Comment: The TSC1 c.3133C>T variant is predicted to result in the amino acid substitution p.Leu1045Phe. To our knowledge, this variant has not been reported in the literature or in a large population database, indicating this variant is rare. At this time, the clinical significance of this variant is uncertain due to the absence of conclusive functional and genetic evidence.